The following is an entry in ClinVar:

NM_024809.5(TCTN2):c.858G>T (p.Met286Ile)

Gene: TCTN2 (tectonic family member 2; plus strand). Cytogenetic location: 12q24.31.
Variant type: single nucleotide variant.
Coding change: c.858G>T on transcript NM_024809.5 (MANE Select); coding-DNA position 858, G replaced by T.
Protein change: p.Met286Ile; replaces methionine 286 with isoleucine.
Molecular consequence: missense variant.
Genome position (GRCh38, 1-based): chr12:123,688,144, G>T. VCF-style: chr12-123688144-G-T. GRCh37 (hg19) VCF-style: chr12-124172691-G-T.
Other names: c.858G>T (NM_024809.3); c.855G>T, p.Met285Ile (NM_001143850.3); short protein forms M285I, M286I.
Identifiers: ClinVar variation 1512997 (VCV001512997.8), dbSNP rs371804063, ClinGen allele CA6861017.

ClinVar aggregate classification (germline): Uncertain significance. Review status: criteria provided, multiple submitters, no conflicts (2 of 4 stars). 2 submissions from 2 submitters: Uncertain significance (2). Last evaluated 2024-12-04.

Conditions:
Meckel-Gruber syndrome. Also called: DYSENCEPHALIA SPLANCHNOCYSTICA; GRUBER SYNDROME; Dysencephalia splachnocystica. Identifiers: Orphanet 564, MedGen C0265215, MONDO:0018921.
Joubert syndrome. Also called: CEREBELLOPARENCHYMAL DISORDER IV; JOUBERT-BOLTSHAUSER SYNDROME; Familial aplasia of the vermis. Identifiers: Orphanet 475, MedGen C5979921, MONDO:0018772.
Inborn genetic diseases. Identifiers: MedGen C0950123, MeSH D030342.

Allele frequency attached by ClinVar (database versions not stated): TOPMed below 0.00001; ESP Exome Variant Server 0.00008.
gnomAD v4.1: 7 of 1,613,032 alleles (0.00043%); highest among the groups gnomAD compares: Admixed American, 0.0017%; no homozygotes.

Submissions (2):

Ambry Genetics
Classification: Uncertain significance for Inborn genetic diseases. Last evaluated: 2024-12-04. Review status: criteria provided, single submitter. Criteria: Ambry Variant Classification Scheme 2023. Collection method: clinical testing. Allele origin: germline.

Labcorp Genetics (formerly Invitae), Labcorp
Classification: Uncertain significance for Joubert syndrome; Meckel-Gruber syndrome. Last evaluated: 2022-10-17. Review status: criteria provided, single submitter. Criteria: Invitae Variant Classification Sherloc (09022015). Collection method: clinical testing. Allele origin: germline.
Comment: In summary, the available evidence is currently insufficient to determine the role of this variant in disease. Therefore, it has been classified as a Variant of Uncertain Significance. Advanced modeling of protein sequence and biophysical properties (such as structural, functional, and spatial information, amino acid conservation, physicochemical variation, residue mobility, and thermodynamic stability) performed at Invitae indicates that this missense variant is not expected to disrupt TCTN2 protein function. ClinVar contains an entry for this variant (Variation ID: 1512997). This variant has not been reported in the literature in individuals affected with TCTN2-related conditions. This variant is present in population databases (rs371804063, gnomAD 0.01%). This sequence change replaces methionine, which is neutral and non-polar, with isoleucine, which is neutral and non-polar, at codon 286 of the TCTN2 protein (p.Met286Ile).